The following is an entry in ClinVar:

NM_000059.4(BRCA2):c.3226del (p.Ser1075_Val1076insTer)

Gene: BRCA2 (BRCA2 DNA repair associated; plus strand). Cytogenetic location: 13q13.1.
Variant type: Deletion.
Coding change: c.3226del on transcript NM_000059.4 (MANE Select); coding-DNA position 3226, one base deleted (G; older notation c.3226delG).
Protein change: p.Ser1075_Val1076insTer.
Molecular consequence: nonsense.
Genome position (GRCh38, 1-based): chr13:32,337,581, G deleted. VCF-style (leftmost placement, unchanged base first): chr13-32337580-TG-T. GRCh37 (hg19) VCF-style: chr13-32911717-TG-T.
Identifiers: ClinVar variation 4813018 (VCV004813018.1).

ClinVar aggregate classification (germline): Pathogenic (1 of 4 stars; one submission).

Conditions:
Breast-ovarian cancer, familial, susceptibility to, 2 (BROVCA2). Also called: BRCA2 Hereditary Breast and Ovarian Cancer. Identifiers: Orphanet 145, MedGen C2675520, MONDO:0012933, OMIM 612555. Disease mechanism: loss of function.

Submission:

Myriad Genetics, Inc.
Classification: Pathogenic for Breast-ovarian cancer, familial, susceptibility to, 2. Last evaluated: 2025-12-11. Review status: criteria provided, single submitter. Criteria: Myriad Autosomal Dominant, Autosomal Recessive and X-Linked Classification Criteria (2023). Collection method: clinical testing. Allele origin: unknown.
Comment: This variant is considered pathogenic. This variant creates a termination codon and is predicted to result in premature protein truncation.